The following is an entry in ClinVar:

ClinVar aggregate classification (germline): Uncertain significance (1 of 4 stars; one submission).

Conditions:
Charcot-Marie-Tooth disease axonal type 2O. Also called: Charcot-Marie-Tooth disease, axonal, type 20; CHARCOT-MARIE-TOOTH NEUROPATHY, AXONAL, TYPE 2O; CHARCOT-MARIE-TOOTH DISEASE, AXONAL, AUTOSOMAL DOMINANT, TYPE 2O; Charcot-Marie-Tooth Neuropathy Type 2O. Identifiers: Orphanet 284232, MedGen C3280220, MONDO:0013644, OMIM 614228.

gnomAD v4.1: 1 of 1,596,256 alleles (0.000063%); highest among the groups gnomAD compares: South Asian, 0.0011%; no homozygotes.

Submission:

Labcorp Genetics (formerly Invitae), Labcorp
Classification: Uncertain significance for Charcot-Marie-Tooth disease axonal type 2O. Last evaluated: 2022-07-05. Review status: criteria provided, single submitter. Criteria: Invitae Variant Classification Sherloc (09022015). Collection method: clinical testing. Allele origin: germline.
Comment: In summary, the available evidence is currently insufficient to determine the role of this variant in disease. Therefore, it has been classified as a Variant of Uncertain Significance. Variants that disrupt the consensus splice site are a relatively common cause of aberrant splicing (PMID: 17576681, 9536098). Algorithms developed to predict the effect of sequence changes on RNA splicing suggest that this variant is not likely to affect RNA splicing. ClinVar contains an entry for this variant (Variation ID: 1009651). This variant has not been reported in the literature in individuals affected with DYNC1H1-related conditions. This variant is not present in population databases (gnomAD no frequency). This sequence change falls in intron 36 of the DYNC1H1 gene. It does not directly change the encoded amino acid sequence of the DYNC1H1 protein. It affects a nucleotide within the consensus splice site.

Literature cited by the submitters: PubMed 17576681; PubMed 9536098.

NM_001376.5(DYNC1H1):c.7473+3C>T

Gene: DYNC1H1 (dynein cytoplasmic 1 heavy chain 1; plus strand). Cytogenetic location: 14q32.31.
Variant type: single nucleotide variant.
Coding change: c.7473+3C>T on transcript NM_001376.5 (MANE Select); 3 bases into the intron after coding-DNA position 7473, C replaced by T.
Molecular consequence: intron variant.
Genome position (GRCh38, 1-based): chr14:102,016,089, C>T. VCF-style: chr14-102016089-C-T. GRCh37 (hg19) VCF-style: chr14-102482426-C-T.
Identifiers: ClinVar variation 1009651 (VCV001009651.6), dbSNP rs2048318089, ClinGen allele CA2159600121.